The following is an entry in ClinVar:

ClinVar aggregate classification (germline): Benign/Likely benign. Review status: criteria provided, multiple submitters, no conflicts (2 of 4 stars). 5 submissions from 5 submitters: Benign (3); Likely benign (2). Last evaluated 2026-01-26.

Conditions:
Rienhoff syndrome. Also called: LOEYS-DIETZ SYNDROME 5. Identifiers: MedGen C3810012, MONDO:0014262, OMIM 615582.

Allele frequency attached by ClinVar (database versions not stated): TOPMed 0.00021; ESP Exome Variant Server 0.00023; gnomAD 0.00023 and 0.00040; gnomAD exomes 0.00061 and 0.00091; ExAC 0.00091; 1000 Genomes Project 30x 0.00109; 1000 Genomes Project 0.00120.

Submissions (5):

Labcorp Genetics (formerly Invitae), Labcorp
Classification: Benign for Rienhoff syndrome. Last evaluated: 2026-01-26. Review status: criteria provided, single submitter. Criteria: Invitae Variant Classification Sherloc (09022015). Collection method: clinical testing. Allele origin: germline.

Blueprint Genetics
Classification: Likely benign. Last evaluated: 2024-11-26. Review status: criteria provided, single submitter. Criteria: ACMG Guidelines, 2015. Collection method: clinical testing. Allele origin: germline.

ARUP Laboratories, Molecular Genetics and Genomics, ARUP Laboratories
Classification: Benign. Last evaluated: 2024-11-25. Review status: criteria provided, single submitter. Criteria: ARUP Molecular Germline Variant Investigation Process 2024. Collection method: clinical testing. Allele origin: germline.

Women's Health and Genetics/Laboratory Corporation of America, LabCorp
Classification: Benign. Last evaluated: 2023-07-21. Review status: criteria provided, single submitter. Criteria: LabCorp Variant Classification Summary - May 2015. Collection method: clinical testing. Allele origin: germline.

GeneDx
Classification: Likely benign. Last evaluated: 2017-09-15. Review status: criteria provided, single submitter. Criteria: GeneDx Variant Classification (06012015). Collection method: clinical testing. Allele origin: germline. Affected: yes.
Comment: This variant is considered likely benign or benign based on one or more of the following criteria: it is a conservative change, it occurs at a poorly conserved position in the protein, it is predicted to be benign by multiple in silico algorithms, and/or has population frequency not consistent with disease.

NM_003239.5(TGFB3):c.647-12C>G

Gene: TGFB3 (transforming growth factor beta 3; minus strand). Cytogenetic location: 14q24.3.
Variant type: single nucleotide variant.
Coding change: c.647-12C>G on transcript NM_003239.5 (MANE Select); 12 bases into the intron before coding-DNA position 647, C replaced by G.
Molecular consequence: intron variant.
Genome position (GRCh38, 1-based): chr14:75,965,707, G>C on the plus strand (C>G on the coding strand, the complement: TGFB3 is on the minus strand). VCF-style: chr14-75965707-G-C. GRCh37 (hg19) VCF-style: chr14-76432050-G-C.
Other names: c.647-12C>G (NM_001329939.2, NM_001329938.2, NM_003239.4).
Identifiers: ClinVar variation 387351 (VCV000387351.20), dbSNP rs61762490, ClinGen allele CA7280377.